The following is an entry in ClinVar:

NM_000553.6(WRN):c.427G>A (p.Asp143Asn)

Gene: WRN (WRN RecQ like helicase; plus strand). Cytogenetic location: 8p12.
Variant type: single nucleotide variant.
Coding change: c.427G>A on transcript NM_000553.6 (MANE Select); coding-DNA position 427, G replaced by A.
Protein change: p.Asp143Asn; replaces aspartic acid 143 with asparagine.
Molecular consequence: missense variant.
Genome position (GRCh38, 1-based): chr8:31,064,986, G>A. VCF-style: chr8-31064986-G-A. GRCh37 (hg19) VCF-style: chr8-30922502-G-A.
Other names: short protein forms D143N.
Identifiers: ClinVar variation 403993 (VCV000403993.3), dbSNP rs1060500063, ClinGen allele CA16612580.

ClinVar aggregate classification (germline): Uncertain significance (1 of 4 stars; one submission).

Conditions:
Werner syndrome (WRN). Identifiers: Orphanet 902, MedGen C0043119, MONDO:0010196, OMIM 277700.

Submission:

Labcorp Genetics (formerly Invitae), Labcorp
Classification: Uncertain significance for Werner syndrome. Last evaluated: 2016-04-27. Review status: criteria provided, single submitter. Criteria: Invitae Variant Classification Sherloc (09022015). Collection method: clinical testing. Allele origin: germline.
Comment: Algorithms developed to predict the effect of missense changes on protein structure and function do not agree on the potential impact of this missense change (SIFT: "Deleterious"; PolyPhen-2: "Probably Damaging"; Align-GVGD: "Class C0"). In summary, this variant is a novel missense change with uncertain impact on protein function. It has been classified as a Variant of Uncertain Significance. This sequence change replaces aspartic acid with asparagine at codon 143 of the WRN protein (p.Asp143Asn). The aspartic acid residue is moderately conserved and there is a small physicochemical difference between aspartic acid and asparagine. This variant is not present in population databases (ExAC no frequency) and has not been reported in the literature in individuals with a WRN-related disease.